The following is an entry in ClinVar:

ClinVar aggregate classification (germline): Pathogenic (1 of 4 stars; one submission).

Conditions:
Hereditary factor VIII deficiency disease (HEMA). Also called: HEMOPHILIA, CLASSIC; AUTOSOMAL HEMOPHILIA A; Hemophilia A; Hemophilia A, congenital; HEM A; Factor 8 deficiency, congenital. Identifiers: Orphanet 98878, MedGen C0019069, MONDO:0010602, OMIM 306700.

Submission:

ARUP Laboratories, Molecular Genetics and Genomics, ARUP Laboratories
Classification: Pathogenic for Hereditary factor VIII deficiency disease. Last evaluated: 2021-03-17. Review status: criteria provided, single submitter. Criteria: ARUP Molecular Germline Variant Investigation Process 2021. Collection method: clinical testing. Allele origin: germline.
Comment: The F8 c.5999-2A>C variant is reported in the literature in an individual with severe hemophilia A (see F8 database and references therein). This variant is absent from general population databases (Exome Variant Server, Genome Aggregation Database), indicating it is not a common polymorphism. This variant disrupts the canonical splice acceptor site of intron 18, which is likely to negatively impact gene function. Based on available information, this variant is considered to be pathogenic. References: Link to F8 database

NM_000132.4(F8):c.5999-2A>C

Gene: F8 (coagulation factor VIII; minus strand). Cytogenetic location: Xq28.
Variant type: single nucleotide variant.
Coding change: c.5999-2A>C on transcript NM_000132.4 (MANE Select); the canonical splice acceptor site of the intron before coding-DNA position 5999, A replaced by C.
Molecular consequence: splice acceptor variant.
Genome position (GRCh38, 1-based): chrX:154,902,169, T>G on the plus strand (A>C on the coding strand, the complement: F8 is on the minus strand). VCF-style: chrX-154902169-T-G. GRCh37 (hg19) VCF-style: chrX-154130444-T-G.
Identifiers: ClinVar variation 1330709 (VCV001330709.7), dbSNP rs2123994187, ClinGen allele CA414905244.